The following is an entry in ClinVar:

ClinVar aggregate classification (germline): Uncertain significance. Review status: criteria provided, multiple submitters, no conflicts (2 of 4 stars). 2 submissions from 2 submitters: Uncertain significance (2). Last evaluated 2023-03-28.

Conditions:
Microcephaly, normal intelligence and immunodeficiency (NBS). Also called: Immunodeficiency, microcephaly with normal intelligence; Ataxia telangiectasia variant V1; BERLIN BREAKAGE SYNDROME; Nijmegen breakage syndrome; Microcephaly with normal intelligence immunodeficiency and lymphoreticular malignancies; Nonsyndromal microcephaly autosomal recessive with normal intelligence. Identifiers: Orphanet 647, MedGen C0398791, MONDO:0009623, OMIM 251260.
Hereditary cancer-predisposing syndrome. Also called: Tumor predisposition; Neoplastic Syndromes, Hereditary; Hereditary neoplastic syndrome; Hereditary Cancer Syndrome. Identifiers: Orphanet 140162, MedGen C0027672, MeSH D009386, MONDO:0015356.

Submissions (2):

Ambry Genetics
Classification: Uncertain significance for Hereditary cancer-predisposing syndrome. Last evaluated: 2023-03-28. Review status: criteria provided, single submitter. Criteria: Ambry Variant Classification Scheme 2023. Collection method: clinical testing. Allele origin: germline.
Comment: The p.S341N variant (also known as c.1022G>A), located in coding exon 9 of the NBN gene, results from a G to A substitution at nucleotide position 1022. The serine at codon 341 is replaced by asparagine, an amino acid with highly similar properties. This amino acid position is well conserved in available vertebrate species. In addition, this alteration is predicted to be tolerated by in silico analysis. Since supporting evidence is limited at this time, the clinical significance of this alteration remains unclear.

Labcorp Genetics (formerly Invitae), Labcorp
Classification: Uncertain significance for Microcephaly, normal intelligence and immunodeficiency. Last evaluated: 2022-09-02. Review status: criteria provided, single submitter. Criteria: Invitae Variant Classification Sherloc (09022015). Collection method: clinical testing. Allele origin: germline.
Comment: This variant has not been reported in the literature in individuals affected with NBN-related conditions. This variant is not present in population databases (gnomAD no frequency). Algorithms developed to predict the effect of missense changes on protein structure and function (SIFT, PolyPhen-2, Align-GVGD) all suggest that this variant is likely to be tolerated. This sequence change replaces serine, which is neutral and polar, with asparagine, which is neutral and polar, at codon 341 of the NBN protein (p.Ser341Asn). In summary, the available evidence is currently insufficient to determine the role of this variant in disease. Therefore, it has been classified as a Variant of Uncertain Significance.

NM_002485.5(NBN):c.1022G>A (p.Ser341Asn)

Gene: NBN (nibrin; minus strand). Cytogenetic location: 8q21.3.
Variant type: single nucleotide variant.
Coding change: c.1022G>A on transcript NM_002485.5 (MANE Select); coding-DNA position 1022, G replaced by A.
Protein change: p.Ser341Asn; replaces serine 341 with asparagine.
Molecular consequence: missense variant.
Genome position (GRCh38, 1-based): chr8:89,958,827, C>T on the plus strand (G>A on the coding strand, the complement: NBN is on the minus strand). VCF-style: chr8-89958827-C-T. GRCh37 (hg19) VCF-style: chr8-90971055-C-T.
Other names: c.776G>A, p.Ser259Asn (NM_001024688.3); short protein forms S341N, S259N.
Identifiers: ClinVar variation 2087864 (VCV002087864.6), dbSNP rs2488261198, ClinGen allele CA371656768.
Genomic context (GRCh38, chr8:89,958,827, plus strand): 5'-GTAGTGTTCACTGGGGCGCTTGGCATTAGTTTTTCATCAACTGACACGCCTTGTGAAAGG[C>T]TTGGTCCTGGAGTTGTTGTCTTTAATCCTGTAAATCACACAAGTAGAAAGAAAGAATCAC-3'
Protein context (NP_002476.2, residues 331-351): TGLKTTTPGP[Ser341Asn]LSQGVSVDEK